The following is an entry in ClinVar:

NM_003803.4(MYOM1):c.1612G>A (p.Gly538Arg)

Gene: MYOM1 (myomesin 1; minus strand). Cytogenetic location: 18p11.31.
Variant type: single nucleotide variant.
Coding change: c.1612G>A on transcript NM_003803.4 (MANE Select); coding-DNA position 1612, G replaced by A.
Protein change: p.Gly538Arg; replaces glycine 538 with arginine.
Molecular consequence: missense variant.
Genome position (GRCh38, 1-based): chr18:3,154,978, C>T on the plus strand (G>A on the coding strand, the complement: MYOM1 is on the minus strand). VCF-style: chr18-3154978-C-T. GRCh37 (hg19) VCF-style: chr18-3154976-C-T.
Other names: c.1612G>A, p.Gly538Arg (NM_019856.2); short protein forms G538R.
Identifiers: ClinVar variation 454430 (VCV000454430.11), dbSNP rs374025340, ClinGen allele CA8874904.

ClinVar aggregate classification (germline): Uncertain significance. Review status: criteria provided, multiple submitters, no conflicts (2 of 4 stars). 2 submissions from 2 submitters: Uncertain significance (2). Last evaluated 2026-01-27.

Conditions:
Hypertrophic cardiomyopathy. Also called: HYPERTROPHIC MYOCARDIOPATHY. Identifiers: Orphanet 217569, MedGen C0007194, MeSH D002312, MONDO:0005045, HP:0001639.

Allele frequency attached by ClinVar (database versions not stated): ExAC 0.00004; gnomAD exomes 0.00004 and 0.00008; gnomAD 0.00005 and 0.00006; TOPMed 0.00005; ESP Exome Variant Server 0.00008.
gnomAD v4.1: 123 of 1,612,610 alleles (0.0076%); highest among the groups gnomAD compares: Non-Finnish European, 0.01%; no homozygotes.

Submissions (2):

Labcorp Genetics (formerly Invitae), Labcorp
Classification: Uncertain significance for Hypertrophic cardiomyopathy. Last evaluated: 2026-01-27. Review status: criteria provided, single submitter. Criteria: Invitae Variant Classification Sherloc (09022015). Collection method: clinical testing. Allele origin: germline.
Comment: This sequence change replaces glycine, which is neutral and non-polar, with arginine, which is basic and polar, at codon 538 of the MYOM1 protein (p.Gly538Arg). This variant is present in population databases (rs374025340, gnomAD 0.009%). This variant has not been reported in the literature in individuals affected with MYOM1-related conditions. ClinVar contains an entry for this variant (Variation ID: 454430). Invitae Evidence Modeling of protein sequence and biophysical properties (such as structural, functional, and spatial information, amino acid conservation, physicochemical variation, residue mobility, and thermodynamic stability) has been performed for this missense variant. However, the output from this modeling did not meet the statistical confidence thresholds required to predict the impact of this variant on MYOM1 protein function. In summary, the available evidence is currently insufficient to determine the role of this variant in disease. Therefore, it has been classified as a Variant of Uncertain Significance.

Ambry Genetics
Classification: Uncertain significance. Last evaluated: 2024-07-21. Review status: criteria provided, single submitter. Criteria: Ambry Variant Classification Scheme 2023. Collection method: clinical testing. Allele origin: germline.
Comment: The p.G538R variant (also known as c.1612G>A), located in coding exon 10 of the MYOM1 gene, results from a G to A substitution at nucleotide position 1612. The glycine at codon 538 is replaced by arginine, an amino acid with dissimilar properties. This amino acid position is conserved. In addition, this alteration is predicted to be deleterious by in silico analysis. Since supporting evidence is limited at this time, the clinical significance of this alteration remains unclear.